The following is an entry in ClinVar:

ClinVar aggregate classification (germline): Uncertain significance (1 of 4 stars; one submission).

Submission:

Labcorp Genetics (formerly Invitae), Labcorp
Classification: Uncertain significance. Last evaluated: 2022-04-04. Review status: criteria provided, single submitter. Criteria: Invitae Variant Classification Sherloc (09022015). Collection method: clinical testing. Allele origin: germline.
Comment: This sequence change replaces methionine, which is neutral and non-polar, with threonine, which is neutral and polar, at codon 126 of the MAK protein (p.Met126Thr). This variant is not present in population databases (gnomAD no frequency). This variant has not been reported in the literature in individuals affected with MAK-related conditions. Advanced modeling of protein sequence and biophysical properties (such as structural, functional, and spatial information, amino acid conservation, physicochemical variation, residue mobility, and thermodynamic stability) performed at Invitae indicates that this missense variant is not expected to disrupt MAK protein function. In summary, the available evidence is currently insufficient to determine the role of this variant in disease. Therefore, it has been classified as a Variant of Uncertain Significance.

NM_001242957.3(MAK):c.377T>C (p.Met126Thr)

Gene: MAK (male germ cell associated kinase; minus strand). Cytogenetic location: 6p24.2.
Variant type: single nucleotide variant.
Coding change: c.377T>C on transcript NM_001242957.3 (MANE Select); coding-DNA position 377, T replaced by C.
Protein change: p.Met126Thr; replaces methionine 126 with threonine.
Molecular consequence: missense variant. On other transcripts: non-coding transcript variant (2).
Genome position (GRCh38, 1-based): chr6:10,808,924, A>G on the plus strand (T>C on the coding strand, the complement: MAK is on the minus strand). VCF-style: chr6-10808924-A-G. GRCh37 (hg19) VCF-style: chr6-10809157-A-G.
Other names: c.377T>C, p.Met126Thr (NM_001242385.2, NM_005906.6); c.275T>C, p.Met92Thr (NM_001377262.1); short protein forms M92T, M126T.
Identifiers: ClinVar variation 2121625 (VCV002121625.4), dbSNP rs2532516014, ClinGen allele CA362720980.